The following is an entry in ClinVar:

ClinVar aggregate classification (germline): Benign (1 of 4 stars; one submission).

Allele frequency attached by ClinVar (database versions not stated): 1000 Genomes Project 30x 0.06636; 1000 Genomes Project 0.06709; TOPMed 0.07917; gnomAD 0.08473 and 0.08525.
gnomAD v4.1: 12,910 of 152,116 alleles (8.5%); highest among the groups gnomAD compares: Non-Finnish European, 11%; 636 homozygotes.

Submission:

GeneDx
Classification: Benign. Last evaluated: 2018-06-14. Review status: criteria provided, single submitter. Criteria: GeneDx Variant Classification (06012015). Collection method: clinical testing. Allele origin: germline. Affected: yes.
Comment: This variant is considered likely benign or benign based on one or more of the following criteria: it is a conservative change, it occurs at a poorly conserved position in the protein, it is predicted to be benign by multiple in silico algorithms, and/or has population frequency not consistent with disease.

NM_001128159.3(VPS53):c.168+188G>A

Gene: VPS53 (VPS53 subunit of GARP complex; minus strand). Cytogenetic location: 17p13.3.
Variant type: single nucleotide variant.
Coding change: c.168+188G>A on transcript NM_001128159.3 (MANE Select); 188 bases into the intron after coding-DNA position 168, G replaced by A.
Molecular consequence: intron variant.
Genome position (GRCh38, 1-based): chr17:710,345, C>T on the plus strand (G>A on the coding strand, the complement: VPS53 is on the minus strand). VCF-style: chr17-710345-C-T. GRCh37 (hg19) VCF-style: chr17-613585-C-T.
Other names: c.168+188G>A (NM_018289.4, NM_001366253.2); c.-525+188G>A (NM_001366254.2).
Identifiers: ClinVar variation 670857 (VCV000670857.1), dbSNP rs62053812, ClinGen allele CA15905719.
Genomic context (GRCh38, chr17:710,345, plus strand): 5'-CAGCAGAAAATTTGGGAGGACTCTCACAACCTAAGAGTACAATTATTAATAATATGTTCA[C>T]TATACAATGAATTCCATTCCAACACAGTGTAGCTCACTGCCCCAGCTGGTGATGATGGAG-3'